The following is an entry in ClinVar:

NM_001370298.3(FGD4):c.2122C>A (p.Pro708Thr)

Gene: FGD4 (FYVE, RhoGEF and PH domain containing 4; plus strand). Cytogenetic location: 12p11.21.
Variant type: single nucleotide variant.
Coding change: c.2122C>A on transcript NM_001370298.3 (MANE Select); coding-DNA position 2122, C replaced by A.
Protein change: p.Pro708Thr; replaces proline 708 with threonine.
Molecular consequence: missense variant.
Genome position (GRCh38, 1-based): chr12:32,625,729, C>A. VCF-style: chr12-32625729-C-A. GRCh37 (hg19) VCF-style: chr12-32778663-C-A.
Other names: c.1966C>A, p.Pro656Thr (NM_001304481.2); c.967C>A, p.Pro323Thr (NM_001304483.2); c.679C>A, p.Pro227Thr (NM_001304484.2); c.1432C>A, p.Pro478Thr (NM_001330373.2, NM_001330374.2, NM_001384130.1); c.1159C>A, p.Pro387Thr (NM_001370297.1); c.2122C>A, p.Pro708Thr (NM_001384126.1); c.1711C>A, p.Pro571Thr (NM_001384127.1, NM_001384128.1, NM_001385118.1 and 1 more transcripts); short protein forms P571T, P656T, P227T, P478T, P387T, P323T, P708T.
Identifiers: ClinVar variation 188396 (VCV000188396.76), dbSNP rs144693221, ClinGen allele CA346829.

ClinVar aggregate classification (germline): Benign/Likely benign. Review status: criteria provided, multiple submitters, no conflicts (2 of 4 stars). 13 submissions from 13 submitters: Benign (4); Likely benign (8). 1 of the submissions does not count toward it. Last evaluated 2026-09-01.

Conditions:
FGD4-related disorder. Also called: FGD4-related condition.
Charcot-Marie-Tooth disease. Also called: Charcot-Marie-Tooth Hereditary Neuropathy; Charcot-Marie-Tooth Neuropathy. Identifiers: Orphanet 166, MedGen C0007959, MONDO:0015626.
Inborn genetic diseases. Identifiers: MedGen C0950123, MeSH D030342.
Charcot-Marie-Tooth disease type 4. Also called: Charcot-Marie-Tooth disease, type IV; Charcot-Marie-Tooth, Type 4. Identifiers: Orphanet 64749, MedGen C4082197, MONDO:0018995.
Charcot-Marie-Tooth disease type 4H (CMT4H). Also called: CHARCOT-MARIE-TOOTH DISEASE, DEMYELINATING, TYPE 4H; CHARCOT-MARIE-TOOTH DISEASE, AUTOSOMAL RECESSIVE, TYPE 4H; CHARCOT-MARIE-TOOTH DISEASE, DEMYELINATING, AUTOSOMAL RECESSIVE, TYPE 4H; CHARCOT-MARIE-TOOTH NEUROPATHY, TYPE 4H. Identifiers: Orphanet 99954, MedGen C1836336, MONDO:0012250, OMIM 609311.

Allele frequency attached by ClinVar (database versions not stated): 1000 Genomes Project 30x 0.00109; 1000 Genomes Project 0.00140; TOPMed 0.00299; ESP Exome Variant Server 0.00408.
gnomAD v4.1: 7,878 of 1,613,710 alleles (0.49%); highest among the groups gnomAD compares: Non-Finnish European, 0.61%; 33 homozygotes.

Submissions (13):

CeGaT Center for Human Genetics Tuebingen
Classification: Likely benign. Last evaluated: 2026-09-01. Review status: criteria provided, single submitter. Criteria: CeGaT Center For Human Genetics Tuebingen Variant Classification Criteria Version 2. Collection method: clinical testing. Allele origin: germline. Affected: yes. Observed: 19 variant alleles.
Comment: FGD4: BP4, BS2

Labcorp Genetics (formerly Invitae), Labcorp
Classification: Likely benign for Charcot-Marie-Tooth disease type 4. Last evaluated: 2026-02-01. Review status: criteria provided, single submitter. Criteria: Invitae Variant Classification Sherloc (09022015). Collection method: clinical testing. Allele origin: germline.

ARUP Laboratories, Molecular Genetics and Genomics, ARUP Laboratories
Classification: Likely benign for Charcot-Marie-Tooth disease type 4H. Last evaluated: 2025-07-17. Review status: criteria provided, single submitter. Criteria: ARUP Molecular Germline Variant Investigation Process 2024. Collection method: clinical testing. Allele origin: germline.

Blueprint Genetics
Classification: Likely benign. Last evaluated: 2024-11-15. Review status: criteria provided, single submitter. Criteria: ACMG Guidelines, 2015. Collection method: clinical testing. Allele origin: germline.

Athena Diagnostics
Classification: Benign. Last evaluated: 2023-11-29. Review status: criteria provided, single submitter. Criteria: Athena Diagnostics Criteria. Collection method: clinical testing. Allele origin: unknown.

Mayo Clinic Laboratories, Mayo Clinic
Classification: Benign. Last evaluated: 2023-06-21. Review status: criteria provided, single submitter. Criteria: ACMG Guidelines, 2015. Collection method: clinical testing. Allele origin: germline. Observed: 27 variant alleles.
Comment: BA1, BS2, BP4, BP5

Ambry Genetics
Classification: Likely benign for Inborn genetic diseases. Last evaluated: 2021-09-14. Review status: criteria provided, single submitter. Criteria: Ambry Variant Classification Scheme 2023. Collection method: clinical testing. Allele origin: germline.

GeneDx
Classification: Benign. Last evaluated: 2019-05-07. Review status: criteria provided, single submitter. Criteria: GeneDx Variant Classification Process June 2021. Collection method: clinical testing. Allele origin: germline. Affected: yes.

Illumina Laboratory Services, Illumina
Classification: Likely benign for Charcot-Marie-Tooth disease type 4H. Last evaluated: 2018-01-12. Review status: criteria provided, single submitter. Criteria: ICSL Variant Classification Criteria 13 December 2019. Collection method: clinical testing. Allele origin: germline.
Comment: This variant was observed in the ICSL laboratory as part of a predisposition screen in an ostensibly healthy population. It had not been previously curated by ICSL or reported in the Human Gene Mutation Database (HGMD: prior to June 1st, 2018), and was therefore a candidate for classification through an automated scoring system. Utilizing variant allele frequency, disease prevalence and penetrance estimates, and inheritance mode, an automated score was calculated to assess if this variant is too frequent to cause the disease. Based on the score and internal cut-off values, a variant classified as likely benign is not then subjected to further curation. The score for this variant resulted in a classification of likely benign for this disease.

Eurofins Ntd Llc (ga)
Classification: Likely benign. Last evaluated: 2016-04-26. Review status: criteria provided, single submitter. Criteria: EGL Classification Definitions 2015. Collection method: clinical testing. Allele origin: germline. Observed: 1 variant allele, 1 heterozygote.

Breakthrough Genomics
Classification: Likely benign. Review status: criteria provided, single submitter. Criteria: ACMG Guidelines, 2015. Collection method: not provided. Allele origin: germline. Inheritance: Autosomal recessive inheritance. Affected: yes.

Molecular Genetics Laboratory, London Health Sciences Centre
Classification: Benign for Charcot-Marie-Tooth disease. Review status: criteria provided, single submitter. Criteria: ACMG Guidelines, 2015. Collection method: clinical testing. Allele origin: germline. Affected: yes.

PreventionGenetics, part of Exact Sciences
Classification: Likely benign for FGD4-related condition. Last evaluated: 2019-06-18. Review status: no assertion criteria provided. Collection method: clinical testing. Allele origin: germline. Not counted in ClinVar's aggregate classification.
Comment: This variant is classified as likely benign based on ACMG/AMP sequence variant interpretation guidelines (Richards et al. 2015 PMID: 25741868, with internal and published modifications).

Literature cited by the submitters: PubMed 27231023 (cited by Athena Diagnostics).